The following is an entry in ClinVar:

NM_001330078.2(NRXN1):c.1546C>G (p.Leu516Val)

Gene: NRXN1 (neurexin 1; minus strand). Cytogenetic location: 2p16.3.
Variant type: single nucleotide variant.
Coding change: c.1546C>G on transcript NM_001330078.2 (MANE Select); coding-DNA position 1546, C replaced by G.
Protein change: p.Leu516Val; replaces leucine 516 with valine.
Molecular consequence: missense variant.
Genome position (GRCh38, 1-based): chr2:50,552,800, G>C on the plus strand (C>G on the coding strand, the complement: NRXN1 is on the minus strand). VCF-style: chr2-50552800-G-C. GRCh37 (hg19) VCF-style: chr2-50779938-G-C.
Other names: c.1666C>G, p.Leu556Val (NM_001135659.3); c.1522C>G, p.Leu508Val (NM_001330077.2, NM_001330082.2, NM_001330095.2); c.1507C>G, p.Leu503Val (NM_001330083.2, NM_001330084.2); c.1546C>G, p.Leu516Val (NM_001330085.2, NM_001330086.2, NM_004801.6); c.1462C>G, p.Leu488Val (NM_001330087.2, NM_001330096.2); c.1492C>G, p.Leu498Val (NM_001330088.2); c.1543C>G, p.Leu515Val (NM_001330093.2); c.1534C>G, p.Leu512Val (NM_001330094.2); short protein forms L503V, L515V, L498V, L508V, L516V, L556V, L512V, L488V.
Identifiers: ClinVar variation 1045867 (VCV001045867.8), dbSNP rs781442387, ClinGen allele CA346773531.

ClinVar aggregate classification (germline): Uncertain significance (1 of 4 stars; one submission).

Conditions:
Pitt-Hopkins-like syndrome 2 (PTHSL2). Identifiers: Orphanet 221150, Orphanet 600663, MedGen C3280479, MONDO:0013690, OMIM 614325.

Submission:

Labcorp Genetics (formerly Invitae), Labcorp
Classification: Uncertain significance for Pitt-Hopkins-like syndrome 2. Last evaluated: 2020-08-11. Review status: criteria provided, single submitter. Criteria: Invitae Variant Classification Sherloc (09022015). Collection method: clinical testing. Allele origin: germline.
Comment: This variant has not been reported in the literature in individuals with NRXN1-related conditions. In summary, the available evidence is currently insufficient to determine the role of this variant in disease. Therefore, it has been classified as a Variant of Uncertain Significance. Algorithms developed to predict the effect of missense changes on protein structure and function are either unavailable or do not agree on the potential impact of this missense change (SIFT: "Deleterious"; PolyPhen-2: "Probably Damaging"; Align-GVGD: "Class C15"). This variant is not present in population databases (ExAC no frequency). This sequence change replaces leucine with valine at codon 556 of the NRXN1 protein (p.Leu556Val). The leucine residue is highly conserved and there is a small physicochemical difference between leucine and valine.